The following is an entry in ClinVar:

ClinVar aggregate classification (germline): Pathogenic (0 of 4 stars; one submission).

Conditions:
Angelman syndrome (AS). Also called: HAPPY PUPPET SYNDROME. Identifiers: Orphanet 72, MedGen C0162635, MONDO:0007113, OMIM 105830. Disease mechanism: loss of function. Inheritance: AS is caused by disruption of maternally imprinted UBE3A located within the 15q11.2-q13 Angelman syndrome/Prader-Willi syndrome (AS/PWS) region., imprinting disorder.

Submission:

Baylor Genetics
Classification: Pathogenic for Angelman Syndrome. Last evaluated: 2014-02-14. Review status: no assertion criteria provided. Collection method: clinical testing. Allele origin: germline. Affected: yes. Observed: 1 variant allele. Study: UBE3A Mutation Study.
Comment: Data collected from clinical UBE3A sequence analysis results

Literature cited by the submitters: PubMed 25212744.

NM_130839.5(UBE3A):c.1174G>T (p.Glu392Ter)

Genes: SNHG14 (small nucleolar RNA host gene 14; plus strand), UBE3A (ubiquitin protein ligase E3A; minus strand). Cytogenetic location: 15q11.2.
Variant type: single nucleotide variant.
Coding change: c.1174G>T on transcript NM_130839.5 (MANE Select); coding-DNA position 1174, G replaced by T.
Protein change: p.Glu392Ter; replaces glutamic acid 392 with a stop codon.
Molecular consequence: nonsense. On other transcripts: non-coding transcript variant (1), intron variant (2).
Genome position (GRCh38, 1-based): chr15:25,371,000, C>A on the plus strand (G>T on the coding strand, the complement: UBE3A is on the minus strand). VCF-style: chr15-25371000-C-A. GRCh37 (hg19) VCF-style: chr15-25616147-C-A.
Other names: c.1183G>T, p.Glu395Ter (NM_000462.5); c.1174G>T, p.Glu392Ter (NM_001354505.1, NM_001354538.2, NM_001354545.2); c.1114G>T, p.Glu372Ter (NM_001354506.2, NM_001354507.2, NM_001354508.2 and 17 more transcripts); c.997G>T, p.Glu333Ter (NM_001354546.2); c.301+4465G>T (NM_001354551.2); c.361+4465G>T (NM_001354550.2); short protein forms E372*, E333*, E395*, E392*.
Identifiers: ClinVar variation 155946 (VCV000155946.1), dbSNP rs587781195, ClinGen allele CA333303.